The following is an entry in ClinVar:

NM_014191.4(SCN8A):c.615-2A>C

Gene: SCN8A (sodium voltage-gated channel alpha subunit 8; plus strand). Cytogenetic location: 12q13.13.
Variant type: single nucleotide variant.
Coding change: c.615-2A>C on transcript NM_014191.4 (MANE Plus Clinical); the canonical splice acceptor site of the intron before coding-DNA position 615, A replaced by C.
Molecular consequence: splice acceptor variant. On other transcripts: intron variant (2).
Genome position (GRCh38, 1-based): chr12:51,688,756, A>C. VCF-style: chr12-51688756-A-C. GRCh37 (hg19) VCF-style: chr12-52082540-A-C.
Other names: c.615-2A>C (NM_001177984.3); c.615-249A>C (NM_001330260.2, NM_001369788.1).
Identifiers: ClinVar variation 413875 (VCV000413875.10), dbSNP rs1060504137, ClinGen allele CA16614021.

ClinVar aggregate classification (germline): Likely pathogenic (1 of 4 stars; one submission).

Conditions:
Early-infantile DEE. Also called: Ohtahara syndrome; Early infantile epileptic encephalopathy with suppression bursts; Early infantile epileptic encephalopathy. Identifiers: Orphanet 1934, MedGen C0393706, MONDO:0800491.

Allele frequency attached by ClinVar (database versions not stated): gnomAD exomes below 0.00001.
gnomAD v4.1: 1 of 1,611,600 alleles (0.000062%); highest among the groups gnomAD compares: Non-Finnish European, 0.000085%; no homozygotes.

Submission:

Labcorp Genetics (formerly Invitae), Labcorp
Classification: Likely pathogenic for Early-infantile DEE. Last evaluated: 2021-12-02. Review status: criteria provided, single submitter. Criteria: Invitae Variant Classification Sherloc (09022015). Collection method: clinical testing. Allele origin: germline.
Comment: In summary, the currently available evidence indicates that the variant is pathogenic, but additional data are needed to prove that conclusively. Therefore, this variant has been classified as Likely Pathogenic. Algorithms developed to predict the effect of sequence changes on RNA splicing suggest that this variant may disrupt the consensus splice site. ClinVar contains an entry for this variant (Variation ID: 413875). This sequence change affects an acceptor splice site in intron 5 of the SCN8A gene. It is expected to disrupt RNA splicing. Variants that disrupt the donor or acceptor splice site typically lead to a loss of protein function (PMID: 16199547), and loss-of-function variants in SCN8A are known to be pathogenic (PMID: 19254928, 32651551). This variant is not present in population databases (gnomAD no frequency). This variant has not been reported in the literature in individuals affected with SCN8A-related conditions.

Literature cited by the submitters: PubMed 16199547; PubMed 19254928; PubMed 32651551.